The following is an entry in ClinVar:

NM_001378454.1(ALMS1):c.12175C>T (p.Leu4059=)

Genes: ALMS1 (ALMS1 centrosome and basal body associated protein; plus strand), LOC126806252 (BRD4-independent group 4 enhancer GRCh37_chr2:73828496-73829695; plus strand). Cytogenetic location: 2p13.1.
Variant type: single nucleotide variant.
Coding change: c.12175C>T on transcript NM_001378454.1 (MANE Select); coding-DNA position 12175, C replaced by T.
Protein change: p.Leu4059=; no amino-acid change (leucine 4059 retained).
Molecular consequence: synonymous variant.
Genome position (GRCh38, 1-based): chr2:73,602,245, C>T. VCF-style: chr2-73602245-C-T. GRCh37 (hg19) VCF-style: chr2-73829372-C-T.
Other names: c.12178C>T, p.Leu4060= (NM_015120.4).
Identifiers: ClinVar variation 383765 (VCV000383765.30), dbSNP rs1052162, ClinGen allele CA1715474.

ClinVar aggregate classification (germline): Benign. Review status: criteria provided, multiple submitters, no conflicts (2 of 4 stars). 11 submissions from 11 submitters: Benign (7). 4 of the submissions do not count toward it. Last evaluated 2026-02-04.

Conditions:
Cardiovascular phenotype. Identifiers: MedGen CN230736.
Alstrom syndrome (ALMS). Identifiers: Orphanet 64, MedGen C0268425, MONDO:0008763, OMIM 203800.

Allele frequency attached by ClinVar (database versions not stated): gnomAD exomes 0.24032 and 0.25980; ExAC 0.26358; 1000 Genomes Project 0.34165; 1000 Genomes Project 30x 0.35853; gnomAD 0.36993 and 0.38498; ESP Exome Variant Server 0.39359; TOPMed 0.39425.
gnomAD v4.1: 407,452 of 1,613,824 alleles (25%); highest among the groups gnomAD compares: African/African-American, 71%; 62,464 homozygotes.

Submissions (11):

Labcorp Genetics (formerly Invitae), Labcorp
Classification: Benign for Alstrom syndrome. Last evaluated: 2026-02-04. Review status: criteria provided, single submitter. Criteria: Invitae Variant Classification Sherloc (09022015). Collection method: clinical testing. Allele origin: germline.

Blueprint Genetics
Classification: Benign. Last evaluated: 2024-11-26. Review status: criteria provided, single submitter. Criteria: ACMG Guidelines, 2015. Collection method: clinical testing. Allele origin: germline.

Genome-Nilou Lab
Classification: Benign for Alstrom syndrome. Last evaluated: 2021-07-14. Review status: criteria provided, single submitter. Criteria: ACMG Guidelines, 2015. Collection method: clinical testing. Allele origin: germline. Affected: no.

Ambry Genetics
Classification: Benign for Cardiovascular phenotype. Last evaluated: 2018-12-21. Review status: criteria provided, single submitter. Criteria: Ambry Variant Classification Scheme 2023. Collection method: clinical testing. Allele origin: germline.

GeneDx
Classification: Benign. Last evaluated: 2016-09-09. Review status: criteria provided, single submitter. Criteria: GeneDx Variant Classification (06012015). Collection method: clinical testing. Allele origin: germline. Affected: yes.
Comment: This variant is considered likely benign or benign based on one or more of the following criteria: it is a conservative change, it occurs at a poorly conserved position in the protein, it is predicted to be benign by multiple in silico algorithms, and/or has population frequency not consistent with disease.

Laboratory for Molecular Medicine, Mass General Brigham Personalized Medicine
Classification: Benign. Last evaluated: 2016-03-21. Review status: criteria provided, single submitter. Criteria: LMM Criteria. Collection method: clinical testing. Allele origin: germline. Observed: 141 variant alleles.
Comment: p.Leu4058Leu in exon 20 of ALMS1: This variant is not expected to have clinical significance because it does not alter an amino acid residue, is not located wit hin the splice consensus sequence, and has been identified in 80.11% (1059/1322) of African chromosomes by the 1000 Genomes Project (Phase 3; dbSNP rs1052162).

Breakthrough Genomics
Classification: Benign. Review status: criteria provided, single submitter. Criteria: ACMG Guidelines, 2015. Collection method: not provided. Allele origin: germline. Inheritance: Autosomal recessive inheritance. Affected: yes.

Natera, Inc.
Classification: Benign for Alstrom syndrome. Last evaluated: 2020-09-16. Review status: no assertion criteria provided. Collection method: clinical testing. Allele origin: germline. Not counted in ClinVar's aggregate classification.

Clinical Genetics, Academic Medical Center
Classification: Benign. Review status: no assertion criteria provided. Collection method: clinical testing. Allele origin: germline. Affected: yes. Study: VKGL Data-share Consensus. Not counted in ClinVar's aggregate classification.

Diagnostic Laboratory, Department of Genetics, University Medical Center Groningen
Classification: Benign. Review status: no assertion criteria provided. Collection method: clinical testing. Allele origin: germline. Affected: yes. Study: VKGL Data-share Consensus. Not counted in ClinVar's aggregate classification.

Joint Genome Diagnostic Labs from Nijmegen and Maastricht, Radboudumc and MUMC+
Classification: Benign. Review status: no assertion criteria provided. Collection method: clinical testing. Allele origin: germline. Affected: yes. Study: VKGL Data-share Consensus. Not counted in ClinVar's aggregate classification.